The following is an entry in ClinVar:

ClinVar aggregate classification (germline): Uncertain significance (1 of 4 stars; one submission).

gnomAD v4.1: 20 of 1,611,876 alleles (0.0012%); highest among the groups gnomAD compares: East Asian, 0.045%; no homozygotes.

Submission:

Ambry Genetics
Classification: Uncertain significance. Last evaluated: 2025-09-21. Review status: criteria provided, single submitter. Criteria: Ambry Variant Classification Scheme 2023. Collection method: clinical testing. Allele origin: germline.
Comment: The c.1976G>A (p.G659D) alteration is located in exon 11 (coding exon 11) of the SCARF1 gene. This alteration results from a G to A substitution at nucleotide position 1976, causing the glycine (G) at amino acid position 659 to be replaced by an aspartic acid (D). Based on data from gnomAD, the A allele has an overall frequency of 0.002% (4/245716) total alleles studied. The highest observed frequency was 0.022% (4/18236) of East Asian alleles. Based on insufficient or conflicting evidence, the clinical significance of this alteration remains unclear.

NM_003693.4(SCARF1):c.1976G>A (p.Gly659Asp)

Gene: SCARF1 (scavenger receptor class F member 1; minus strand). Cytogenetic location: 17p13.3.
Variant type: single nucleotide variant.
Coding change: c.1976G>A on transcript NM_003693.4 (MANE Select); coding-DNA position 1976, G replaced by A.
Protein change: p.Gly659Asp; replaces glycine 659 with aspartic acid.
Molecular consequence: missense variant. On other transcripts: 3 prime UTR variant (1), non-coding transcript variant (2).
Genome position (GRCh38, 1-based): chr17:1,635,275, C>T on the plus strand (G>A on the coding strand, the complement: SCARF1 is on the minus strand). VCF-style: chr17-1635275-C-T. GRCh37 (hg19) VCF-style: chr17-1538569-C-T.
Other names: c.*229G>A (NM_145350.3); short protein forms G659D.
Identifiers: ClinVar variation 4581142 (VCV004581142.1).